The following is an entry in ClinVar:

NM_000496.3(CRYBB2):c.565_567delinsTGC (p.Arg189Cys)

Gene: CRYBB2 (crystallin beta B2; plus strand). Cytogenetic location: 22q11.23.
Variant type: Indel.
Coding change: c.565_567delinsTGC on transcript NM_000496.3 (MANE Select); coding-DNA positions 565 to 567, CGT replaced by TGC.
Protein change: p.Arg189Cys; replaces arginine 189 with cysteine.
Molecular consequence: missense variant.
Genome position (GRCh38, 1-based): chr22:25,231,719-25,231,721, CGT replaced by TGC. VCF-style: chr22-25231719-CGT-TGC. GRCh37 (hg19) VCF-style: chr22-25627686-CGT-TGC.
Other names: short protein forms R189C.
Identifiers: ClinVar variation 4997147 (VCV004997147.1).

ClinVar aggregate classification (germline): Uncertain significance (1 of 4 stars; one submission).

Conditions:
CRYBB2-related disorder. Also called: CRYBB2-related condition.

Submission:

PreventionGenetics, part of Exact Sciences
Classification: Uncertain significance for CRYBB2-related condition. Last evaluated: 2025-04-22. Review status: criteria provided, single submitter. Criteria: ACMG Guidelines, 2015. Collection method: clinical testing. Allele origin: germline.
Comment: The CRYBB2 c.565_567delinsTGC variant is predicted to result in an in-frame deletion and insertion. To our knowledge, this variant has not been reported in the literature or in a large population database (gnomAD), indicating this variant is rare. This variant falls within a highly paralogous region. Allele frequency data should be interpreted with caution. At this time, the clinical significance of this variant is uncertain due to the absence of conclusive functional and genetic evidence.